The following is an entry in ClinVar:

NM_001378328.1(CELSR1):c.6319A>G (p.Ile2107Val)

Gene: CELSR1 (cadherin EGF LAG seven-pass G-type receptor 1; minus strand). Cytogenetic location: 22q13.31.
Variant type: single nucleotide variant.
Coding change: c.6319A>G on transcript NM_001378328.1 (MANE Select); coding-DNA position 6319, A replaced by G.
Protein change: p.Ile2107Val; replaces isoleucine 2107 with valine.
Molecular consequence: missense variant.
Genome position (GRCh38, 1-based): chr22:46,390,418, T>C on the plus strand (A>G on the coding strand, the complement: CELSR1 is on the minus strand). VCF-style: chr22-46390418-T-C. GRCh37 (hg19) VCF-style: chr22-46786315-T-C.
Other names: c.6319A>G, p.Ile2107Val (NM_014246.4); short protein forms I2107V.
Identifiers: ClinVar variation 1264263 (VCV001264263.5), dbSNP rs4044210, ClinGen allele CA10293856.
Genomic context (GRCh38, chr22:46,390,418, plus strand): 5'-CCCTGCTGAACACACATCCCCGAGGCGCCCCTACCATGGCCCTGAGGTCCACGAAGGAGA[T>C]GGTGGTACAGTTAAAGAGCTCTGGGGGCAGCCAGCCCTTCTCCCCGCTGCAGTGTCGGAC-3'
Protein context (NP_001365257.1, residues 2097-2117): LPPELFNCTT[Ile2107Val]SFVDLRAMNE

ClinVar aggregate classification (germline): Benign. Review status: criteria provided, multiple submitters, no conflicts (2 of 4 stars). 3 submissions from 3 submitters: Benign (2). 1 of the submissions does not count toward it. Last evaluated 2019-07-24.

Conditions:
CELSR1-related disorder. Also called: CELSR1-related condition.

Allele frequency attached by ClinVar (database versions not stated): gnomAD exomes 0.17356; ExAC 0.19098; 1000 Genomes Project 0.27656; 1000 Genomes Project 30x 0.29076; gnomAD 0.29339 and 0.30730; TOPMed 0.30949; ESP Exome Variant Server 0.32531.
gnomAD v4.1: 298,399 of 1,612,724 alleles (19%); highest among the groups gnomAD compares: African/African-American, 65%; 37,743 homozygotes.

Submissions (3):

GeneDx
Classification: Benign. Last evaluated: 2019-07-24. Review status: criteria provided, single submitter. Criteria: GeneDx Variant Classification Process June 2021. Collection method: clinical testing. Allele origin: germline. Affected: yes.

Breakthrough Genomics
Classification: Benign. Review status: criteria provided, single submitter. Criteria: ACMG Guidelines, 2015. Collection method: not provided. Allele origin: germline. Inheritance: Autosomal dominant inheritance. Affected: yes.

PreventionGenetics, part of Exact Sciences
Classification: Benign for CELSR1-related condition. Last evaluated: 2019-08-02. Review status: no assertion criteria provided. Collection method: clinical testing. Allele origin: germline. Not counted in ClinVar's aggregate classification.
Comment: This variant is classified as benign based on ACMG/AMP sequence variant interpretation guidelines (Richards et al. 2015 PMID: 25741868, with internal and published modifications).